The following is an entry in ClinVar:

NM_001040616.3(LINS1):c.718C>T (p.Arg240Trp)

Gene: LINS1 (lines homolog 1; minus strand). Cytogenetic location: 15q26.3.
Variant type: single nucleotide variant.
Coding change: c.718C>T on transcript NM_001040616.3 (MANE Select); coding-DNA position 718, C replaced by T.
Protein change: p.Arg240Trp; replaces arginine 240 with tryptophan.
Molecular consequence: missense variant. On other transcripts: 5 prime UTR variant (1), non-coding transcript variant (3).
Genome position (GRCh38, 1-based): chr15:100,574,155, G>A on the plus strand (C>T on the coding strand, the complement: LINS1 is on the minus strand). VCF-style: chr15-100574155-G-A. GRCh37 (hg19) VCF-style: chr15-101114360-G-A.
Other names: c.-30C>T (NM_001352507.2); c.673C>T, p.Arg225Trp (NM_001352508.2); short protein forms R240W, R225W.
Identifiers: ClinVar variation 211385 (VCV000211385.37), dbSNP rs145145735, ClinGen allele CA205237.
Genomic context (GRCh38, chr15:100,574,155, plus strand): 5'-TGAGAAGCTCAAGCAAATCCAGGAAACACATCAGGATGTTTACTATTTTAGAAGTATCCC[G>A]GCAGTTTTCAAAATGCTGAGAGAATAAGGAATTGTAAAACACTTCAAAAATGGTGTCGAA-3'
Protein context (NP_001035706.2, residues 230-250): SLFSQHFENC[Arg240Trp]DTSKIVNILM

ClinVar aggregate classification (germline): Benign/Likely benign. Review status: criteria provided, multiple submitters, no conflicts (2 of 4 stars). 4 submissions from 4 submitters: Benign (2); Likely benign (2). Last evaluated 2026-08-01.

Conditions:
Inborn genetic diseases. Identifiers: MedGen C0950123, MeSH D030342.

Allele frequency attached by ClinVar (database versions not stated): gnomAD exomes 0.00116 and 0.00042; ExAC 0.00147; gnomAD 0.00383 and 0.00398; TOPMed 0.00458; 1000 Genomes Project 30x 0.00500; ESP Exome Variant Server 0.00516; 1000 Genomes Project 0.00539.
gnomAD v4.1: 1,235 of 1,613,688 alleles (0.077%); highest among the groups gnomAD compares: African/African-American, 1.4%; 4 homozygotes.

Submissions (4):

CeGaT Center for Human Genetics Tuebingen
Classification: Likely benign. Last evaluated: 2026-08-01. Review status: criteria provided, single submitter. Criteria: CeGaT Center For Human Genetics Tuebingen Variant Classification Criteria Version 2. Collection method: clinical testing. Allele origin: germline. Affected: yes. Observed: 4 variant alleles.
Comment: LINS1: BP4, BS1

Labcorp Genetics (formerly Invitae), Labcorp
Classification: Benign. Last evaluated: 2019-12-31. Review status: criteria provided, single submitter. Criteria: Invitae Variant Classification Sherloc (09022015). Collection method: clinical testing. Allele origin: germline.

Ambry Genetics
Classification: Likely benign for Inborn genetic diseases. Last evaluated: 2019-03-29. Review status: criteria provided, single submitter. Criteria: Ambry Variant Classification Scheme 2023. Collection method: clinical testing. Allele origin: germline.

Genetic Services Laboratory, University of Chicago
Classification: Benign. Last evaluated: 2015-10-20. Review status: criteria provided, single submitter. Criteria: ACMG Guidelines, 2015. Collection method: clinical testing. Allele origin: germline. Affected: no.